The following is an entry in ClinVar:

NM_001291088.2(WDR87):c.2060_2064del (p.Ser687fs)

Gene: WDR87 (WD repeat domain 87; minus strand). Cytogenetic location: 19q13.13.
Variant type: Microsatellite.
Coding change: c.2060_2064del on transcript NM_001291088.2 (MANE Select); coding-DNA positions 2060 to 2064, 5 bases deleted (CCTTT; older notation c.2060_2064delCCTTT).
Protein change: p.Ser687fs; shifts the reading frame from serine 687.
Molecular consequence: frameshift variant.
Genome position (GRCh38, 1-based): chr19:37,893,639-37,893,643, AAAGG deleted on the plus strand (CCTTT on the coding strand, the reverse complement: WDR87 is on the minus strand); deleting any 5 consecutive bases within chr19:37,893,639-37,893,648 gives the same sequence; the c. name uses the placement nearest the transcript's 3' end. VCF-style (leftmost placement, unchanged base first): chr19-37893638-TAAAGG-T. GRCh37 (hg19) VCF-style: chr19-38384278-TAAAGG-T.
Other names: c.1943_1947del, p.Ser648fs (NM_031951.5); short protein forms S648fs, S687fs.
Identifiers: ClinVar variation 493252 (VCV000493252.47), dbSNP rs748317096, ClinGen allele CA9408834.

ClinVar aggregate classification (germline): Uncertain significance. Review status: criteria provided, multiple submitters, no conflicts (2 of 4 stars). 2 submissions from 2 submitters: Uncertain significance (2). Last evaluated 2023-04-24.

Submissions (2):

Labcorp Genetics (formerly Invitae), Labcorp
Classification: Uncertain significance. Last evaluated: 2023-04-24. Review status: criteria provided, single submitter. Criteria: Invitae Variant Classification Sherloc (09022015). Collection method: clinical testing. Allele origin: germline.
Comment: In summary, the available evidence is currently insufficient to determine the role of this variant in disease. Therefore, it has been classified as a Variant of Uncertain Significance. This variant has not been reported in the literature in individuals affected with WDR87-related conditions. This variant is present in population databases (rs748317096, gnomAD 0.03%). This sequence change creates a premature translational stop signal (p.Ser648Tyrfs*6) in the WDR87 gene. It is expected to result in an absent or disrupted protein product. However, the current clinical and genetic evidence is not sufficient to establish whether loss-of-function variants in WDR87 cause disease.

CeGaT Center for Human Genetics Tuebingen
Classification: Uncertain significance. Last evaluated: 2017-08-01. Review status: criteria provided, single submitter. Criteria: CeGaT Center For Human Genetics Tuebingen Variant Classification Criteria Version 2. Collection method: clinical testing. Allele origin: germline. Affected: yes. Observed: 2 variant alleles.